The following is an entry in ClinVar:

NM_001009944.3(PKD1):c.11673C>T (p.Arg3891=)

Genes: PKD1 (polycystin 1, transient receptor potential channel interacting; minus strand), PKD1-AS1 (PKD1 antisense RNA 1; plus strand). Cytogenetic location: 16p13.3.
Variant type: single nucleotide variant.
Coding change: c.11673C>T on transcript NM_001009944.3 (MANE Select); coding-DNA position 11673, C replaced by T.
Protein change: p.Arg3891=; no amino-acid change (arginine 3891 retained).
Molecular consequence: synonymous variant. On other transcripts: non-coding transcript variant (1).
Genome position (GRCh38, 1-based): chr16:2,091,462, G>A on the plus strand (C>T on the coding strand, the complement: PKD1 is on the minus strand). VCF-style: chr16-2091462-G-A. GRCh37 (hg19) VCF-style: chr16-2141463-G-A.
Other names: p.Arg3891=; c.11670C>T, p.Arg3890= (NM_000296.4).
Identifiers: ClinVar variation 4684042 (VCV004684042.1).

ClinVar aggregate classification (germline): Likely benign (1 of 4 stars; one submission).

gnomAD v4.1: 2 of 1,282,414 alleles (0.00016%); highest among the groups gnomAD compares: African/African-American, 0.0016%; no homozygotes.

Submission:

Mayo Clinic Laboratories, Mayo Clinic
Classification: Likely benign. Last evaluated: 2025-11-06. Review status: criteria provided, single submitter. Criteria: ACMG Guidelines, 2015. Collection method: clinical testing. Allele origin: germline. Observed: 1 variant allele.
Comment: BP4, BP7, PM2_supporting